The following is an entry in ClinVar:

ClinVar aggregate classification (germline): Uncertain significance. Review status: criteria provided, multiple submitters, no conflicts (2 of 4 stars). 2 submissions from 2 submitters: Uncertain significance (2). Last evaluated 2026-07-07.

Conditions:
Cardiovascular phenotype. Identifiers: MedGen CN230736.
Arrhythmogenic cardiomyopathy with wooly hair and keratoderma. Also called: PALMOPLANTAR KERATODERMA WITH LEFT VENTRICULAR CARDIOMYOPATHY AND WOOLLY HAIR; Dilated cardiomyopathy with woolly hair and keratoderma; Carvajal syndrome; Arrhythmogenic cardiomyopathy with woolly hair and keratoderma. Identifiers: Orphanet 65282, MedGen C1854063, MONDO:0011581, OMIM 605676.
Arrhythmogenic right ventricular dysplasia 8 (ARVD8). Also called: Arrhythmogenic Right Ventricular Dysplasia/Cardiomyopathy 8; ARRHYTHMOGENIC RIGHT VENTRICULAR DYSPLASIA, FAMILIAL, 8; ARRHYTHMOGENIC RIGHT VENTRICULAR CARDIOMYOPATHY 8. Identifiers: MedGen C1843896, MONDO:0011831, OMIM 607450.

Submissions (2):

Ambry Genetics
Classification: Uncertain significance for Cardiovascular phenotype. Last evaluated: 2026-07-07. Review status: criteria provided, single submitter. Criteria: Ambry Variant Classification Scheme 2023. Collection method: clinical testing. Allele origin: germline.
Comment: The p.E1357K variant (also known as c.4069G>A), located in coding exon 23 of the DSP gene, results from a G to A substitution at nucleotide position 4069. The glutamic acid at codon 1357 is replaced by lysine, an amino acid with similar properties. This amino acid position is conserved. In addition, the in silico prediction for this alteration is inconclusive. Based on the available evidence, the clinical significance of this variant remains unclear.

Labcorp Genetics (formerly Invitae), Labcorp
Classification: Uncertain significance for Arrhythmogenic cardiomyopathy with wooly hair and keratoderma; Arrhythmogenic right ventricular dysplasia 8. Last evaluated: 2025-08-03. Review status: criteria provided, single submitter. Criteria: Invitae Variant Classification Sherloc (09022015). Collection method: clinical testing. Allele origin: germline.
Comment: This sequence change replaces glutamic acid, which is acidic and polar, with lysine, which is basic and polar, at codon 1357 of the DSP protein (p.Glu1357Lys). This variant is not present in population databases (gnomAD no frequency). This variant has not been reported in the literature in individuals affected with DSP-related conditions. An algorithm developed to predict the effect of missense changes on protein structure and function (PolyPhen-2) suggests that this variant is likely to be disruptive. In summary, the available evidence is currently insufficient to determine the role of this variant in disease. Therefore, it has been classified as a Variant of Uncertain Significance.

NM_004415.4(DSP):c.4069G>A (p.Glu1357Lys)

Gene: DSP (desmoplakin; plus strand). Cytogenetic location: 6p24.3.
Variant type: single nucleotide variant.
Coding change: c.4069G>A on transcript NM_004415.4 (MANE Select); coding-DNA position 4069, G replaced by A.
Protein change: p.Glu1357Lys; replaces glutamic acid 1357 with lysine.
Molecular consequence: missense variant. On other transcripts: intron variant (2).
Genome position (GRCh38, 1-based): chr6:7,580,259, G>A. VCF-style: chr6-7580259-G-A. GRCh37 (hg19) VCF-style: chr6-7580492-G-A.
Other names: c.4050+19G>A (NM_001319034.2); c.3582+487G>A (NM_001008844.3); short protein forms E1357K.
Identifiers: ClinVar variation 4794873 (VCV004794873.2).
Genomic context (GRCh38, chr6:7,580,259, plus strand): 5'-GAGGCCAAGCGCCGCTGGGAATATGAAAATGAACTGAGTAAGGTAAGAAACAATTATGAT[G>A]AGGAGATCATTAGCTTAAAAAATCAGTTTGAGACCGAGATCAACATCACCAAGACCACCA-3'
Protein context (NP_004406.2, residues 1347-1367): ELSKVRNNYD[Glu1357Lys]EIISLKNQFE